The following is an entry in ClinVar:

NM_198525.3(KIF7):c.447C>A (p.Tyr149Ter)

Gene: KIF7 (kinesin family member 7; minus strand). Cytogenetic location: 15q26.1.
Variant type: single nucleotide variant.
Coding change: c.447C>A on transcript NM_198525.3 (MANE Select); coding-DNA position 447, C replaced by A.
Protein change: p.Tyr149Ter; replaces tyrosine 149 with a stop codon.
Molecular consequence: nonsense.
Genome position (GRCh38, 1-based): chr15:89,649,823, G>T on the plus strand (C>A on the coding strand, the complement: KIF7 is on the minus strand). VCF-style: chr15-89649823-G-T. GRCh37 (hg19) VCF-style: chr15-90193054-G-T.
Other names: short protein forms Y149*.
Identifiers: ClinVar variation 3375346 (VCV003375346.1).

ClinVar aggregate classification (germline): Pathogenic (1 of 4 stars; one submission).

Conditions:
Acrocallosal syndrome (ACLS). Also called: HALLUX DUPLICATION, POSTAXIAL POLYDACTYLY, AND ABSENCE OF CORPUS CALLOSUM; Schinzel syndrome 1; Absence of corpus callosum with unusual facial appearance, mental deficiency, duplication of the halluces and polydactyly. Identifiers: Orphanet 36, MedGen C0796147, MONDO:0008708, OMIM 200990.

Submission:

Women's Health and Genetics/Laboratory Corporation of America, LabCorp
Classification: Pathogenic for Acrocallosal syndrome. Last evaluated: 2024-09-20. Review status: criteria provided, single submitter. Criteria: LabCorp Variant Classification Summary - May 2015. Collection method: clinical testing. Allele origin: germline.
Comment: Variant summary: KIF7 c.447C>A (p.Tyr149X) results in a premature termination codon, predicted to cause a truncation of the encoded protein or absence of the protein due to nonsense mediated decay, which are commonly known mechanisms for disease. The variant was absent in 156918 control chromosomes. To our knowledge, no occurrence of c.447C>A in individuals affected with Acrocallosal Syndrome/Joubert Syndrome 12 and no experimental evidence demonstrating its impact on protein function have been reported. No submitters have cited clinical-significance assessments for this variant to ClinVar. Based on the evidence outlined above, the variant was classified as pathogenic.